The following is an entry in ClinVar:

ClinVar aggregate classification (germline): Pathogenic (1 of 4 stars; one submission).

Conditions:
Hereditary breast ovarian cancer syndrome. Also called: Hereditary breast and ovarian cancer; Hereditary breast and/or ovarian cancer syndrome; Hereditary breast and ovarian cancer syndrome; Hereditary breast and ovarian cancer syndrome (HBOC); Breast and ovarian cancer; BRCA1- and BRCA2-Associated Hereditary Breast and Ovarian Cancer. Identifiers: Orphanet 145, MedGen C0677776, MeSH D061325, MONDO:0003582. Disease mechanism: loss of function.

Submission:

Labcorp Genetics (formerly Invitae), Labcorp
Classification: Pathogenic for Hereditary breast ovarian cancer syndrome. Last evaluated: 2021-01-26. Review status: criteria provided, single submitter. Criteria: Invitae Variant Classification Sherloc (09022015). Collection method: clinical testing. Allele origin: germline.
Comment: Loss-of-function variants in BRCA2 are known to be pathogenic (PMID: 20104584). This variant has not been reported in the literature in individuals with BRCA2-related conditions. This variant is not present in population databases (ExAC no frequency). This sequence change creates a premature translational stop signal (p.Glu2028Valfs*18) in the BRCA2 gene. It is expected to result in an absent or disrupted protein product. For these reasons, this variant has been classified as Pathogenic.

Literature cited by the submitters: PubMed 20104584.

NM_000059.4(BRCA2):c.6083_6091delinsT (p.Glu2028fs)

Gene: BRCA2 (BRCA2 DNA repair associated; plus strand). Cytogenetic location: 13q13.1.
Variant type: Indel.
Coding change: c.6083_6091delinsT on transcript NM_000059.4 (MANE Select); coding-DNA positions 6083 to 6091, AAGAAAATA replaced by T.
Protein change: p.Glu2028fs; shifts the reading frame from glutamic acid 2028.
Molecular consequence: frameshift variant.
Genome position (GRCh38, 1-based): chr13:32,340,438-32,340,446, AAGAAAATA replaced by T. VCF-style: chr13-32340438-AAGAAAATA-T. GRCh37 (hg19) VCF-style: chr13-32914575-AAGAAAATA-T.
Other names: short protein forms E2028fs.
Identifiers: ClinVar variation 965262 (VCV000965262.6), dbSNP rs2072545943, ClinGen allele CA1139663231.